The following is an entry in ClinVar:

ClinVar aggregate classification (germline): Conflicting classifications of pathogenicity. Review status: criteria provided, conflicting classifications (1 of 4 stars). 2 submissions from 2 submitters: Uncertain significance (1); Likely benign (1). Last evaluated 2024-11-07.

Conditions:
Menke-Hennekam syndrome 1 (MKHK1). Identifiers: MedGen C5193034, MONDO:0020763, OMIM 618332.
Rubinstein-Taybi syndrome due to CREBBP mutations (RSTS1). Also called: RUBINSTEIN-TAYBI SYNDROME 1, INCOMPLETE; BROAD THUMB-HALLUX SYNDROME; RUBINSTEIN SYNDROME; BROAD THUMBS AND GREAT TOES, CHARACTERISTIC FACIES, AND IMPAIRED INTELLECTUAL DEVELOPMENT; Rubinstein-Taybi syndrome 1; CREBBP-Related Rubinstein-Taybi Syndrome. Identifiers: Orphanet 353277, Orphanet 783, MedGen C4551859, MONDO:0008393, OMIM 180849.
CREBBP-related disorder. Also called: CREBBP-related disorders; CREBBP-related condition.

gnomAD v4.1: 3 of 1,613,974 alleles (0.00019%); highest among the groups gnomAD compares: Admixed American, 0.0017%; no homozygotes.

Submissions (2):

PreventionGenetics, part of Exact Sciences
Classification: Likely benign for CREBBP-related condition. Last evaluated: 2024-11-07. Review status: criteria provided, single submitter. Criteria: ACMG Guidelines, 2015. Collection method: clinical testing. Allele origin: germline.
Comment: This variant is classified as likely benign based on ACMG/AMP sequence variant interpretation guidelines (Richards et al. 2015 PMID: 25741868, with internal and published modifications).

Fulgent Genetics
Classification: Uncertain significance for Rubinstein-Taybi syndrome due to CREBBP mutations; Menke-Hennekam syndrome 1. Last evaluated: 2024-06-15. Review status: criteria provided, single submitter. Criteria: ACMG Guidelines, 2015. Collection method: clinical testing. Allele origin: germline.

NM_004380.3(CREBBP):c.1893C>T (p.Ala631=)

Gene: CREBBP (CREB binding lysine acetyltransferase; minus strand). Cytogenetic location: 16p13.3.
Variant type: single nucleotide variant.
Coding change: c.1893C>T on transcript NM_004380.3 (MANE Select); coding-DNA position 1893, C replaced by T.
Protein change: p.Ala631=; no amino-acid change (alanine 631 retained).
Molecular consequence: synonymous variant.
Genome position (GRCh38, 1-based): chr16:3,778,748, G>A on the plus strand (C>T on the coding strand, the complement: CREBBP is on the minus strand). VCF-style: chr16-3778748-G-A. GRCh37 (hg19) VCF-style: chr16-3828749-G-A.
Other names: c.1893C>T (NM_004380.2); c.1779C>T, p.Ala593= (NM_001079846.1).
Identifiers: ClinVar variation 3580652 (VCV003580652.2).